The following is an entry in ClinVar:

ClinVar aggregate classification (germline): Likely pathogenic (1 of 4 stars; one submission).

Conditions:
Schizencephaly. Identifiers: Orphanet 799, MedGen C0266484, MONDO:0010011, OMIM 269160, HP:0010636.
Microphthalmia, isolated, with coloboma 5 (MCOPCB5). Also called: MICROPHTHALMIA/COLOBOMA 5; Microphthalmia with Coloboma 5. Identifiers: Orphanet 98938, MedGen C1968843, MONDO:0012709, OMIM 611638.
Solitary median maxillary central incisor syndrome. Also called: Single Central Incisor Syndrome; Solitary median maxillary central incisor; SINGLE CENTRAL MAXILLARY INCISOR; SMMCI SYNDROME; FUSED INCISORS. Identifiers: MedGen C1840235, MONDO:0007819, OMIM 147250, HP:0006315.
Holoprosencephaly 3 (HPE3). Identifiers: Orphanet 2162, MedGen C1840529, MONDO:0007733, OMIM 142945.

Submission:

Juno Genomics, Hangzhou Juno Genomics, Inc
Classification: Likely pathogenic for Holoprosencephaly 3; Microphthalmia, isolated, with coloboma 5; Schizencephaly; Solitary median maxillary central incisor syndrome. Review status: criteria provided, single submitter. Criteria: ACMG Guidelines, 2015. Collection method: clinical testing. Allele origin: germline.
Comment: Null variant in a gene where loss of function (LOF) is a known mechanism of disease.;Absent from controls (or at extremely low frequency if recessive) in Genome Aggregation Database.

NM_000193.4(SHH):c.219del (p.Phe73fs)

Gene: SHH (sonic hedgehog signaling molecule; minus strand). Cytogenetic location: 7q36.3.
Variant type: Deletion.
Coding change: c.219del on transcript NM_000193.4 (MANE Select); coding-DNA position 219, one base deleted (T; older notation c.219delT).
Protein change: p.Phe73fs; shifts the reading frame from phenylalanine 73.
Molecular consequence: frameshift variant.
Genome position (GRCh38, 1-based): chr7:155,811,904, A deleted on the plus strand (T on the coding strand, the reverse complement: SHH is on the minus strand); the first of 3 consecutive A bases (chr7:155,811,904-155,811,906); deleting any one gives the same sequence. VCF-style (leftmost placement, unchanged base first): chr7-155811903-TA-T. GRCh37 (hg19) VCF-style: chr7-155604597-TA-T.
Other names: short protein forms F73fs.
Identifiers: ClinVar variation 5007191 (VCV005007191.2).